The following is an entry in ClinVar:

ClinVar aggregate classification (germline): Uncertain significance. Review status: criteria provided, multiple submitters, no conflicts (2 of 4 stars). 4 submissions from 4 submitters: Uncertain significance (4). Last evaluated 2024-08-06.

Conditions:
RYR1-related disorder. Also called: RYR1-related disorders; RYR1-related condition. Identifiers: MedGen CN239331.
Malignant hyperthermia, susceptibility to, 1 (MHS1). Also called: RYR1-Related Malignant Hyperthermia Susceptibility; Anesthesia related hyperthermia; Malignant hyperpyrexia; Fulminating hyperpyrexia; Pharmacogenic myopathy; Malignant hyperthermia suceptibility 1. Identifiers: Orphanet 423, MedGen C2930980, MONDO:0007783, OMIM 145600.

Allele frequency attached by ClinVar (database versions not stated): gnomAD 0.00001; gnomAD exomes 0.00001; TOPMed 0.00001.
gnomAD v4.1: 5 of 1,612,642 alleles (0.00031%); highest among the groups gnomAD compares: African/African-American, 0.0013%; no homozygotes.

Submissions (4):

All of Us Research Program, National Institutes of Health
Classification: Uncertain significance for Malignant hyperthermia, susceptibility to, 1. Last evaluated: 2024-08-06. Review status: criteria provided, single submitter. Criteria: ACMG Guidelines, 2015. Collection method: clinical testing. Allele origin: germline. Inheritance: Autosomal dominant inheritance. Observed: 5 variant alleles, 5 heterozygotes.
Comment: This variant causes a G to A nucleotide substitution at the +5 position of intron 42 of the RYR1 gene. To our knowledge, RNA studies have not been reported for this variant. This variant has not been reported in individuals affected with RYR1-related disorders in the literature. This variant has not been identified in the general population by the Genome Aggregation Database (gnomAD). The available evidence is insufficient to determine the role of this variant in disease conclusively. Therefore, this variant is classified as a Variant of Uncertain Significance.

This study involves interpretation of variants in research participants for the purpose of population health screening. Participant phenotype was not available at the time of variant classification. Additional details can be found in publication PMID: 35346344, PMCID: PMC8962531

Blueprint Genetics
Classification: Uncertain significance. Last evaluated: 2023-05-29. Review status: criteria provided, single submitter. Criteria: ACMG Guidelines, 2015. Collection method: clinical testing. Allele origin: germline.

GeneDx
Classification: Uncertain significance. Last evaluated: 2022-10-24. Review status: criteria provided, single submitter. Criteria: GeneDx Variant Classification Process June 2021. Collection method: clinical testing. Allele origin: germline. Affected: yes.
Comment: Not observed at significant frequency in large population cohorts (gnomAD); Has not been previously published as pathogenic or benign to our knowledge; In silico analysis suggests this variant may impact gene splicing. In the absence of RNA/functional studies, the actual effect of this sequence change is unknown.

Labcorp Genetics (formerly Invitae), Labcorp
Classification: Uncertain significance for RYR1-related disorder. Last evaluated: 2018-12-27. Review status: criteria provided, single submitter. Criteria: Invitae Variant Classification Sherloc (09022015). Collection method: clinical testing. Allele origin: germline.
Comment: This sequence change falls in intron 42 of the RYR1 gene. It does not directly change the encoded amino acid sequence of the RYR1 protein, but it affects a nucleotide within the consensus splice site of the intron. This variant is not present in population databases (ExAC no frequency). This variant has not been reported in the literature in individuals with RYR1-related conditions. Nucleotide substitutions within the consensus splice site are a relatively common cause of aberrant splicing (PMID: 17576681, 9536098). Algorithms developed to predict the effect of sequence changes on RNA splicing suggest that this variant may disrupt the consensus splice site, but this prediction has not been confirmed by published transcriptional studies. In summary, the available evidence is currently insufficient to determine the role of this variant in disease. Therefore, it has been classified as a Variant of Uncertain Significance.

Literature cited by the submitters: PubMed 17576681 (cited by Labcorp Genetics (formerly Invitae), Labcorp); PubMed 9536098 (cited by Labcorp Genetics (formerly Invitae), Labcorp).

NM_000540.3(RYR1):c.6891+5G>A

Gene: RYR1 (ryanodine receptor 1; plus strand). Cytogenetic location: 19q13.2.
Variant type: single nucleotide variant.
Coding change: c.6891+5G>A on transcript NM_000540.3 (MANE Select); 5 bases into the intron after coding-DNA position 6891, G replaced by A.
Molecular consequence: intron variant.
Genome position (GRCh38, 1-based): chr19:38,496,959, G>A. VCF-style: chr19-38496959-G-A. GRCh37 (hg19) VCF-style: chr19-38987599-G-A.
Other names: c.6891+5G>A (NM_001042723.2).
Identifiers: ClinVar variation 663462 (VCV000663462.7), dbSNP rs980283007, ClinGen allele CA308105090.
Genomic context (GRCh38, chr19:38,496,959, plus strand): 5'-CCGTCATTGACAACAATGAGCTGGCCTTGGCATTGCAGGAGCAGGACCTGGAAAAGGTGT[G>A]GAGGGCAGGGCTGGGCCCCAGGCCTAAGGGAGGAAATCGGGCCGCTACCCGGCTGCTTGG-3'